The following is an entry in ClinVar:

ClinVar aggregate classification (germline): Conflicting classifications of pathogenicity. Review status: criteria provided, conflicting classifications (1 of 4 stars). 8 submissions from 8 submitters: Uncertain significance (1); Benign (1); Likely benign (2). 4 of the submissions do not count toward it. Last evaluated 2026-01-25.

Conditions:
LRP5-related disorder. Also called: LRP5-related condition.
Osteogenesis imperfecta (OI). Identifiers: Orphanet 666, MedGen C0029434, MeSH D010013, MONDO:0019019.
Exudative vitreoretinopathy 4 (EVR4). Identifiers: Orphanet 891, MedGen C1866176, MONDO:0011151, OMIM 601813.
Polycystic liver disease 4 with or without kidney cysts. Identifiers: MedGen C4693479, MONDO:0044327, OMIM 617875.
Exudative vitreoretinopathy 1 (EVR1). Also called: FEVR, AUTOSOMAL DOMINANT; Familial exudative vitreoretinopathy, autosomal dominant; CRISWICK-SCHEPENS SYNDROME. Identifiers: Orphanet 891, Orphanet 90050, MedGen C1851402, MONDO:0007589, OMIM 133780.
Osteoporosis with pseudoglioma (OPPG). Also called: osteoporosis-pseudoglioma syndrome. Identifiers: Orphanet 2788, MedGen C0432252, MONDO:0009820, OMIM 259770.
Osteoporosis. Identifiers: MedGen C0029456, MONDO:0005298, OMIM 166710, HP:0000939.
Bone mineral density quantitative trait locus 1 (BMND1). Identifiers: MedGen C1866079, OMIM 601884.
Worth disease. Also called: OSTEOSCLEROSIS, AUTOSOMAL DOMINANT; ENDOSTEAL HYPEROSTOSIS, AUTOSOMAL DOMINANT; Autosomal dominant osteosclerosis, Worth type. Identifiers: Orphanet 2790, MedGen C0432273, MONDO:0007764, OMIM 144750.
Autosomal dominant osteopetrosis 1 (OPTA1). Also called: OSTEOPETROSIS, AUTOSOMAL DOMINANT, TYPE I. Identifiers: Orphanet 2783, MedGen C1843330, MONDO:0011877, OMIM 607634.

Allele frequency attached by ClinVar (database versions not stated): gnomAD 0.00004 and 0.00100; TOPMed 0.00023; 1000 Genomes Project 0.00419; gnomAD exomes 0.00452; 1000 Genomes Project 30x 0.00515; ExAC 0.02911.
gnomAD v4.1: 861 of 1,042,322 alleles (0.083%); highest among the groups gnomAD compares: South Asian, 2.9%; 11 homozygotes.

Submissions (8):

Labcorp Genetics (formerly Invitae), Labcorp
Classification: Benign. Last evaluated: 2026-01-25. Review status: criteria provided, single submitter. Criteria: Invitae Variant Classification Sherloc (09022015). Collection method: clinical testing. Allele origin: germline.

Blueprint Genetics
Classification: Likely benign. Last evaluated: 2024-11-26. Review status: criteria provided, single submitter. Criteria: ACMG Guidelines, 2015. Collection method: clinical testing. Allele origin: germline.

Fulgent Genetics
Classification: Likely benign for Exudative vitreoretinopathy 1; Worth disease; Osteoporosis; Osteoporosis with pseudoglioma; Exudative vitreoretinopathy 4; Bone mineral density quantitative trait locus 1; Autosomal dominant osteopetrosis 1; Polycystic liver disease 4 with or without kidney cysts. Last evaluated: 2021-09-21. Review status: criteria provided, single submitter. Criteria: ACMG Guidelines, 2015. Collection method: clinical testing. Allele origin: unknown.

Genome Diagnostics Laboratory, The Hospital for Sick Children
Classification: Uncertain significance for Osteogenesis imperfecta. Last evaluated: 2020-07-01. Review status: criteria provided, single submitter. Criteria: ACMG Guidelines, 2015. Collection method: clinical testing. Allele origin: germline.

PreventionGenetics, part of Exact Sciences
Classification: Likely benign for LRP5-related condition. Last evaluated: 2021-03-25. Review status: no assertion criteria provided. Collection method: clinical testing. Allele origin: germline. Not counted in ClinVar's aggregate classification.
Comment: This variant is classified as likely benign based on ACMG/AMP sequence variant interpretation guidelines (Richards et al. 2015 PMID: 25741868, with internal and published modifications).

Clinical Genetics DNA and cytogenetics Diagnostics Lab, Erasmus MC, Erasmus Medical Center
Classification: Likely benign. Review status: no assertion criteria provided. Collection method: clinical testing. Allele origin: germline. Affected: yes. Study: VKGL Data-share Consensus. Not counted in ClinVar's aggregate classification.

Clinical Genetics, Academic Medical Center
Classification: Likely benign. Review status: no assertion criteria provided. Collection method: clinical testing. Allele origin: germline. Affected: yes. Study: VKGL Data-share Consensus. Not counted in ClinVar's aggregate classification.

Genome Diagnostics Laboratory, University Medical Center Utrecht
Classification: Likely benign. Review status: no assertion criteria provided. Collection method: clinical testing. Allele origin: germline. Affected: yes. Study: VKGL Data-share Consensus. Not counted in ClinVar's aggregate classification.

NM_002335.4(LRP5):c.91+9G>C

Gene: LRP5 (LDL receptor related protein 5; plus strand). Cytogenetic location: 11q13.2.
Variant type: single nucleotide variant.
Coding change: c.91+9G>C on transcript NM_002335.4 (MANE Select); 9 bases into the intron after coding-DNA position 91, G replaced by C.
Molecular consequence: intron variant.
Genome position (GRCh38, 1-based): chr11:68,312,814, G>C. VCF-style: chr11-68312814-G-C. GRCh37 (hg19) VCF-style: chr11-68080282-G-C.
Other names: c.-1675+9G>C (NM_001291902.2).
Identifiers: ClinVar variation 1168683 (VCV001168683.20), dbSNP rs569517144, ClinGen allele CA6148892.